The following is an entry in ClinVar:

ClinVar aggregate classification (germline): Uncertain significance (1 of 4 stars; one submission).

gnomAD v4.1: 6 of 1,575,866 alleles (0.00038%); highest among the groups gnomAD compares: African/African-American, 0.0014%; no homozygotes.

Submission:

GeneDx
Classification: Uncertain significance. Last evaluated: 2026-03-24. Review status: criteria provided, single submitter. Criteria: GeneDx Variant Classification Process June 2021. Collection method: clinical testing. Allele origin: germline.
Comment: In silico analysis supports that this missense variant has a deleterious effect on protein structure/function; Has not been previously published as pathogenic or benign to our knowledge

NM_015512.5(DNAH1):c.9571C>T (p.Pro3191Ser)

Gene: DNAH1 (dynein axonemal heavy chain 1; plus strand). Cytogenetic location: 3p21.1.
Variant type: single nucleotide variant.
Coding change: c.9571C>T on transcript NM_015512.5 (MANE Select); coding-DNA position 9571, C replaced by T.
Protein change: p.Pro3191Ser; replaces proline 3191 with serine.
Molecular consequence: missense variant.
Genome position (GRCh38, 1-based): chr3:52,389,536, C>T. VCF-style: chr3-52389536-C-T. GRCh37 (hg19) VCF-style: chr3-52423552-C-T.
Other names: short protein forms P3191S.
Identifiers: ClinVar variation 5017427 (VCV005017427.1).